The following is an entry in ClinVar:

NM_019096.5(GTPBP2):c.457C>T (p.Pro153Ser)

Gene: GTPBP2 (GTP binding protein 2; minus strand). Cytogenetic location: 6p21.1.
Variant type: single nucleotide variant.
Coding change: c.457C>T on transcript NM_019096.5 (MANE Select); coding-DNA position 457, C replaced by T.
Protein change: p.Pro153Ser; replaces proline 153 with serine.
Molecular consequence: missense variant.
Genome position (GRCh38, 1-based): chr6:43,625,806, G>A on the plus strand (C>T on the coding strand, the complement: GTPBP2 is on the minus strand). VCF-style: chr6-43625806-G-A. GRCh37 (hg19) VCF-style: chr6-43593543-G-A.
Other names: c.193C>T, p.Pro65Ser (NM_001286216.2); short protein forms P153S, P65S.
Identifiers: ClinVar variation 1895613 (VCV001895613.5), dbSNP rs764485639, ClinGen allele CA3827783.
Genomic context (GRCh38, chr6:43,625,806, plus strand): 5'-GTGTGCTCACCTGTTGGTTGTCAGGGACCTTTCGTACTAGCACCTCGGTGATCTTCCGGG[G>A]CATGTCGCTATCATAATCCACTTCTCGCTCTCGAAGAACGGTTATGTCTGCCCCAACCCT-3'
Protein context (NP_061969.3, residues 143-163): EREVDYDSDM[Pro153Ser]RKITEVLVRK

ClinVar aggregate classification (germline): Uncertain significance (1 of 4 stars; one submission).

Allele frequency attached by ClinVar (database versions not stated): ExAC 0.00001; gnomAD 0.00001; TOPMed 0.00002.
gnomAD v4.1: 19 of 1,613,914 alleles (0.0012%); highest among the groups gnomAD compares: Admixed American, 0.0017%; no homozygotes.

Submission:

Labcorp Genetics (formerly Invitae), Labcorp
Classification: Uncertain significance. Last evaluated: 2024-11-05. Review status: criteria provided, single submitter. Criteria: Invitae Variant Classification Sherloc (09022015). Collection method: clinical testing. Allele origin: germline.
Comment: This sequence change replaces proline, which is neutral and non-polar, with serine, which is neutral and polar, at codon 153 of the GTPBP2 protein (p.Pro153Ser). This variant is present in population databases (rs764485639, gnomAD 0.003%). This variant has not been reported in the literature in individuals affected with GTPBP2-related conditions. ClinVar contains an entry for this variant (Variation ID: 1895613). An algorithm developed to predict the effect of missense changes on protein structure and function (PolyPhen-2) suggests that this variant is likely to be tolerated. In summary, the available evidence is currently insufficient to determine the role of this variant in disease. Therefore, it has been classified as a Variant of Uncertain Significance.